The following is an entry in ClinVar:

ClinVar aggregate classification (germline): Uncertain significance (1 of 4 stars; one submission).

Allele frequency attached by ClinVar (database versions not stated): TOPMed below 0.00001; gnomAD 0.00001; gnomAD exomes 0.00001.
gnomAD v4.1: 9 of 1,613,588 alleles (0.00056%); highest among the groups gnomAD compares: African/African-American, 0.0013%; no homozygotes.

Submission:

Labcorp Genetics (formerly Invitae), Labcorp
Classification: Uncertain significance. Last evaluated: 2023-10-05. Review status: criteria provided, single submitter. Criteria: Invitae Variant Classification Sherloc (09022015). Collection method: clinical testing. Allele origin: germline.
Comment: This sequence change replaces isoleucine, which is neutral and non-polar, with methionine, which is neutral and non-polar, at codon 494 of the TTLL5 protein (p.Ile494Met). This variant is not present in population databases (gnomAD no frequency). This variant has not been reported in the literature in individuals affected with TTLL5-related conditions. Advanced modeling of protein sequence and biophysical properties (such as structural, functional, and spatial information, amino acid conservation, physicochemical variation, residue mobility, and thermodynamic stability) performed at Invitae indicates that this missense variant is not expected to disrupt TTLL5 protein function. In summary, the available evidence is currently insufficient to determine the role of this variant in disease. Therefore, it has been classified as a Variant of Uncertain Significance.

NM_015072.5(TTLL5):c.1482A>G (p.Ile494Met)

Gene: TTLL5 (tubulin tyrosine ligase like 5; plus strand). Cytogenetic location: 14q24.3.
Variant type: single nucleotide variant.
Coding change: c.1482A>G on transcript NM_015072.5 (MANE Select); coding-DNA position 1482, A replaced by G.
Protein change: p.Ile494Met; replaces isoleucine 494 with methionine.
Molecular consequence: missense variant.
Genome position (GRCh38, 1-based): chr14:75,745,576, A>G. VCF-style: chr14-75745576-A-G. GRCh37 (hg19) VCF-style: chr14-76211919-A-G.
Other names: short protein forms I494M.
Identifiers: ClinVar variation 2834593 (VCV002834593.3), dbSNP rs1889554679, ClinGen allele CA390465893.
Genomic context (GRCh38, chr14:75,745,576, plus strand): 5'-GGAGAATGATCGGCGAGGTGGATTTATTCGCATATTTCCTACATCTGAGACATGGGAAAT[A>G]TATGGGTGAGGTGACTACCTTTTTTTTTTATTCTTTACCTGAGGTCCATAGAATTAGATT-3'
Protein context (NP_055887.3, residues 484-504): RIFPTSETWE[Ile494Met]YGSYLEHKTS